The following is an entry in ClinVar:

NM_130837.3(OPA1):c.1352T>A (p.Leu451His)

Gene: OPA1 (OPA1 mitochondrial dynamin like GTPase; plus strand). Cytogenetic location: 3q29.
Variant type: single nucleotide variant.
Coding change: c.1352T>A on transcript NM_130837.3 (MANE Select); coding-DNA position 1352, T replaced by A.
Protein change: p.Leu451His; replaces leucine 451 with histidine.
Molecular consequence: missense variant.
Genome position (GRCh38, 1-based): chr3:193,643,419, T>A. VCF-style: chr3-193643419-T-A. GRCh37 (hg19) VCF-style: chr3-193361208-T-A.
Other names: c.818T>A, p.Leu273His (NM_001354663.2); c.815T>A, p.Leu272His (NM_001354664.2); c.1187T>A, p.Leu396His (NM_015560.3); c.1079T>A, p.Leu360His (NM_130831.3); c.1133T>A, p.Leu378His (NM_130832.3); c.1190T>A, p.Leu397His (NM_130833.3); c.1241T>A, p.Leu414His (NM_130834.3); c.1244T>A, p.Leu415His (NM_130835.3); and 1 more; short protein forms L396H, L451H, L360H, L378H, L415H, L273H, L397H, L272H.
Identifiers: ClinVar variation 214905 (VCV000214905.2), dbSNP rs727504060, ClinGen allele CA325288.

ClinVar aggregate classification (germline): Pathogenic (1 of 4 stars; one submission).

Submission:

GeneDx
Classification: Pathogenic. Last evaluated: 2012-05-29. Review status: criteria provided, single submitter. Criteria: GeneDx Variant Classification (06012015). Collection method: clinical testing. Allele origin: germline. Affected: yes.
Comment: p.Leu396His (CTT>CAT): c.1187 T>A in exon 12 of the OPA1 gene (NM_015560.2) The L396H missense change was identified in the OPA1 gene. It has not been published as a mutation, nor has it been reported as a benign polymorphism to our knowledge. However, other missense mutations at the same position (L396R, L396P) have been reported previously in association with hereditary optic atrophy (Thiselton et al., 2002; Ferre et al., 2009). Furthermore, Leucine 396 is a highly conserved residue in the OPA1 protein that is close to a GTP-binding motif in the dynamin-related domain (Thiselton et al., 2002). Therefore, we interpret L396H to be a disease-associated mutation. The variant is found in OAPEO-MITOP panel(s).